The following is an entry in ClinVar:

ClinVar aggregate classification (germline): Likely benign (0 of 4 stars; one submission).

Conditions:
OPCML-related disorder. Also called: OPCML-related condition.

Submission:

PreventionGenetics, part of Exact Sciences
Classification: Likely benign for OPCML-related condition. Last evaluated: 2019-06-06. Review status: no assertion criteria provided. Collection method: clinical testing. Allele origin: germline.
Comment: This variant is classified as likely benign based on ACMG/AMP sequence variant interpretation guidelines (Richards et al. 2015 PMID: 25741868, with internal and published modifications).

NM_001012393.5(OPCML):c.644-23GT[8]

Gene: OPCML (opioid binding protein/cell adhesion molecule like; minus strand). Cytogenetic location: 11q25.
Variant type: Microsatellite.
Coding change: c.644-23GT[8] on transcript NM_001012393.5 (MANE Select); eight copies in a row of the 2-base unit GT starting at c.644-23; the reference has seven copies in a row; one copy, 2 bases duplicated.
Molecular consequence: intron variant.
Genome position (GRCh38, 1-based): chr11:132,436,789-132,436,790, AC duplicated on the plus strand (GT on the coding strand, the reverse complement: OPCML is on the minus strand); duplicating any 2 consecutive bases within chr11:132,436,789-132,436,803 gives the same sequence; the position shown is the placement nearest the transcript's 3' end. VCF-style (leftmost placement, unchanged base first): chr11-132436788-A-AAC. GRCh37 (hg19) VCF-style: chr11-132306682-A-AAC.
Other names: c.365-23GT[8] (NM_001319104.4); c.542-23GT[8] (NM_001319105.2); c.662-23GT[8] (NM_001319106.2); c.665-23GT[8] (NM_002545.5, NM_001319103.2).
Identifiers: ClinVar variation 3044942 (VCV003044942.2), dbSNP rs145479085, ClinGen allele CA6367989.
Genomic context (GRCh38, chr11:132,436,788, plus strand): 5'-TTCTGACCGACTGAAACACCAGTGTTCTTGGCTTTTGAGATATAGGGAGGATCTGTGGGA[A>AAC]ACACACACACACACATGCACAGGCATGCACGCACGCACACACAGAGTGATTTCGTGAAAG-3'